The following is an entry in ClinVar:

NM_001128227.3(GNE):c.51+10408_52-10008del

Gene: GNE (glucosamine (UDP-N-acetyl)-2-epimerase/N-acetylmannosamine kinase; minus strand). Cytogenetic location: 9p13.3.
Variant type: Deletion.
Coding change: c.51+10408_52-10008del on transcript NM_001128227.3 (MANE Plus Clinical); 10408 bases into the intron after coding-DNA position 51 through 10008 bases into the intron before coding-DNA position 52, 7,082 bases deleted.
Molecular consequence: intron variant.
Genome position (GRCh38, 1-based): chr9:36,259,405-36,266,486, 7,082 bases deleted. GRCh37 (hg19): chr9:36,259,402-36,266,483.
Other names: c.-14+10408_-13-12923del (NM_001190388.2).
Identifiers: ClinVar variation 438624 (VCV000438624.5), ClinGen allele CA658822709.

ClinVar aggregate classification (germline): Pathogenic (1 of 4 stars; one submission).

Conditions:
Inclusion body myositis (IBM). Identifiers: Orphanet 611, MedGen C0238190, MONDO:0007827, OMIM 147421.
GNE myopathy (NM). Also called: NONAKA DISTAL MYOPATHY; INCLUSION BODY MYOPATHY, HEREDITARY, AUTOSOMAL RECESSIVE; INCLUSION BODY MYOPATHY 2, AUTOSOMAL RECESSIVE; MYOPATHY, DISTAL, WITH OR WITHOUT RIMMED VACUOLES; IBM 2; Inclusion body myopathy autosomal recessive. Identifiers: Orphanet 602, MedGen C1853926, MONDO:0011603, OMIM 605820.

Submission:

Emory University School of Medicine, Department of Human Genetics, Emory University
Classification: Pathogenic for GNE myopathy; Inclusion body myositis. Last evaluated: 2017-09-06. Review status: criteria provided, single submitter. Criteria: ACMG Guidelines, 2015. Collection method: clinical testing. Allele origin: inherited. Inheritance: Autosomal recessive inheritance. Affected: yes. Observed: 1 variant allele, 1 compound heterozygote.
Comment: Heterozygoous 7.082 kb deletion variant encompassing untranslated exon 2 of GNE gene abolishes respective allele expression. Factors considered in the assessment. * RNA-sequencing using target muscle biopsy showing complete abolishment of the respective allele with confirmation by cDNA sequencing. * Gene expression analysis from RNA-seq transcript abundance data shows ~50% reduction in expression of GNE gene.